The following is an entry in ClinVar:

NC_012920.1(MT-ND6):m.14211C>T

Gene: MT-ND6 (mitochondrially encoded NADH dehydrogenase 6; minus strand).
Variant type: single nucleotide variant.
Genome position: chrM-14211-C-T.
Identifiers: ClinVar variation 693692 (VCV000693692.1), dbSNP rs1603224605, ClinGen allele CA414821412.

ClinVar aggregate classification (germline): Benign (1 of 4 stars; one submission).

Conditions:
Leigh syndrome (NULS). Also called: Leigh's necrotizing encephalopathy; Leigh's disease; Leigh's syndrome; LEIGH SYNDROME, NUCLEAR; Leigh Syndrome (mtDNA deletion); Leigh Disease. Identifiers: Orphanet 506, MedGen C2931891, MONDO:0009723, OMIM 256000.

Submission:

Wong Mito Lab, Molecular and Human Genetics, Baylor College of Medicine
Classification: Benign for Leigh syndrome. Last evaluated: 2019-10-17. Review status: criteria provided, single submitter. Criteria: Modified ACMG Guidelines (Unpublished). Collection method: clinical testing. Allele origin: germline.
Comment: The NC_012920.1:m.14211C>T (YP_003024037.1:p.Val155Ile) variant in MTND6 gene is interpretated to be a Benign variant based on the modified ACMG guidelines (unpublished). This variant meets the following evidence codes: BS1, BS2